The following is an entry in ClinVar:

NM_001037.5(SCN1B):c.62G>A (p.Cys21Tyr)

Gene: SCN1B (sodium voltage-gated channel beta subunit 1; plus strand). Cytogenetic location: 19q13.11.
Variant type: single nucleotide variant.
Coding change: c.62G>A on transcript NM_001037.5 (MANE Select); coding-DNA position 62, G replaced by A.
Protein change: p.Cys21Tyr; replaces cysteine 21 with tyrosine.
Molecular consequence: missense variant. On other transcripts: 5 prime UTR variant (1).
Genome position (GRCh38, 1-based): chr19:35,032,549, G>A. VCF-style: chr19-35032549-G-A. GRCh37 (hg19) VCF-style: chr19-35523453-G-A.
Other names: c.-38G>A (NM_001321605.2); c.62G>A, p.Cys21Tyr (NM_199037.5); short protein forms C21Y.
Identifiers: ClinVar variation 4713472 (VCV004713472.1).

ClinVar aggregate classification (germline): Uncertain significance (1 of 4 stars; one submission).

Conditions:
Brugada syndrome 5 (BRGDA5). Identifiers: Orphanet 130, Orphanet 871, MedGen C2748541, MONDO:0013015, OMIM 612838.

gnomAD v4.1: 1 of 1,613,998 alleles (0.000062%); highest among the groups gnomAD compares: Non-Finnish European, 0.000085%; no homozygotes.

Submission:

Labcorp Genetics (formerly Invitae), Labcorp
Classification: Uncertain significance for Brugada syndrome 5. Last evaluated: 2025-02-19. Review status: criteria provided, single submitter. Criteria: Invitae Variant Classification Sherloc (09022015). Collection method: clinical testing. Allele origin: germline.
Comment: This sequence change replaces cysteine, which is neutral and slightly polar, with tyrosine, which is neutral and polar, at codon 21 of the SCN1B protein (p.Cys21Tyr). This variant is not present in population databases (gnomAD no frequency). This variant has not been reported in the literature in individuals affected with SCN1B-related conditions. Experimental studies and prediction algorithms are not available or were not evaluated, and the functional significance of this variant is currently unknown. In summary, the available evidence is currently insufficient to determine the role of this variant in disease. Therefore, it has been classified as a Variant of Uncertain Significance.